The following is an entry in ClinVar:

ClinVar aggregate classification (germline): Uncertain significance (1 of 4 stars; one submission).

Conditions:
COG4-congenital disorder of glycosylation. Also called: COG4-CDG; CONGENITAL DISORDER OF GLYCOSYLATION, TYPE IIj; CDG IIj. Identifiers: Orphanet 263501, MedGen C4303552, MONDO:0013281, OMIM 613489.

gnomAD v4.1: 5 of 1,612,558 alleles (0.00031%); highest among the groups gnomAD compares: Admixed American, 0.0017%; no homozygotes.

Submission:

Labcorp Genetics (formerly Invitae), Labcorp
Classification: Uncertain significance for COG4-congenital disorder of glycosylation. Last evaluated: 2025-04-09. Review status: criteria provided, single submitter. Criteria: Invitae Variant Classification Sherloc (09022015). Collection method: clinical testing. Allele origin: germline.
Comment: This sequence change replaces arginine, which is basic and polar, with cysteine, which is neutral and slightly polar, at codon 788 of the COG4 protein (p.Arg788Cys). This variant is present in population databases (rs751066284, gnomAD 0.003%). This variant has not been reported in the literature in individuals affected with COG4-related conditions. An algorithm developed to predict the effect of missense changes on protein structure and function (PolyPhen-2) suggests that this variant is likely to be disruptive. In summary, the available evidence is currently insufficient to determine the role of this variant in disease. Therefore, it has been classified as a Variant of Uncertain Significance.

NM_015386.3(COG4):c.2362C>T (p.Arg788Cys)

Gene: COG4 (component of oligomeric golgi complex 4; minus strand). Cytogenetic location: 16q22.1.
Variant type: single nucleotide variant.
Coding change: c.2362C>T on transcript NM_015386.3 (MANE Select); coding-DNA position 2362, C replaced by T.
Protein change: p.Arg788Cys; replaces arginine 788 with cysteine.
Molecular consequence: missense variant. On other transcripts: non-coding transcript variant (1).
Genome position (GRCh38, 1-based): chr16:70,481,018, G>A on the plus strand (C>T on the coding strand, the complement: COG4 is on the minus strand). VCF-style: chr16-70481018-G-A. GRCh37 (hg19) VCF-style: chr16-70514921-G-A.
Other names: c.2287C>T, p.Arg763Cys (NM_001195139.2); c.1936C>T, p.Arg646Cys (NM_001365426.1); short protein forms R788C, R763C, R646C.
Identifiers: ClinVar variation 4764595 (VCV004764595.1).